The following is an entry in ClinVar:

ClinVar aggregate classification (germline): Uncertain significance. Review status: criteria provided, multiple submitters, no conflicts (2 of 4 stars). 4 submissions from 4 submitters: Uncertain significance (4). Last evaluated 2026-07-21.

Conditions:
Cardiovascular phenotype. Identifiers: MedGen CN230736.
Dilated cardiomyopathy 1JJ (CMD1JJ). Identifiers: Orphanet 154, MedGen C3808935, MONDO:0014095, OMIM 615235.

Allele frequency attached by ClinVar (database versions not stated): gnomAD exomes 0.00001; gnomAD 0.00003 and 0.00004; TOPMed 0.00006; ESP Exome Variant Server 0.00008; ExAC 0.00001.
gnomAD v4.1: 14 of 1,613,936 alleles (0.00087%); highest among the groups gnomAD compares: African/African-American, 0.017%; no homozygotes.

Submissions (4):

GeneDx
Classification: Uncertain significance. Last evaluated: 2026-07-21. Review status: criteria provided, single submitter. Criteria: GeneDx Variant Classification Process June 2021. Collection method: clinical testing. Allele origin: germline.
Comment: Has not been previously published as pathogenic or benign to our knowledge; Not observed at significant frequency in large population cohorts (gnomAD); In silico analysis suggests that this missense variant does not alter protein structure/function

Labcorp Genetics (formerly Invitae), Labcorp
Classification: Uncertain significance for Dilated cardiomyopathy 1JJ. Last evaluated: 2025-12-12. Review status: criteria provided, single submitter. Criteria: Invitae Variant Classification Sherloc (09022015). Collection method: clinical testing. Allele origin: germline.
Comment: This sequence change replaces leucine, which is neutral and non-polar, with methionine, which is neutral and non-polar, at codon 273 of the LAMA4 protein (p.Leu273Met). The frequency data for this variant in the population databases is considered unreliable, as metrics indicate poor data quality at this position in the gnomAD database. This variant has not been reported in the literature in individuals affected with LAMA4-related conditions. ClinVar contains an entry for this variant (Variation ID: 1215908). Invitae Evidence Modeling of protein sequence and biophysical properties (such as structural, functional, and spatial information, amino acid conservation, physicochemical variation, residue mobility, and thermodynamic stability) indicates that this missense variant is expected to disrupt LAMA4 protein function with a positive predictive value of 80%. In summary, the available evidence is currently insufficient to determine the role of this variant in disease. Therefore, it has been classified as a Variant of Uncertain Significance.

Ambry Genetics
Classification: Uncertain significance for Cardiovascular phenotype. Last evaluated: 2024-05-02. Review status: criteria provided, single submitter. Criteria: Ambry Variant Classification Scheme 2023. Collection method: clinical testing. Allele origin: germline.
Comment: The p.L273M variant (also known as c.817C>A), located in coding exon 7 of the LAMA4 gene, results from a C to A substitution at nucleotide position 817. The leucine at codon 273 is replaced by methionine, an amino acid with highly similar properties. This amino acid position is highly conserved in available vertebrate species. In addition, this alteration is predicted to be tolerated by in silico analysis. The evidence for this gene-disease relationship is limited; therefore, the clinical significance of this alteration is unclear.

Fulgent Genetics
Classification: Uncertain significance for Dilated cardiomyopathy 1JJ. Last evaluated: 2021-09-07. Review status: criteria provided, single submitter. Criteria: ACMG Guidelines, 2015. Collection method: clinical testing. Allele origin: unknown.

NM_001105206.3(LAMA4):c.838C>A (p.Leu280Met)

Gene: LAMA4 (laminin subunit alpha 4; minus strand). Cytogenetic location: 6q21.
Variant type: single nucleotide variant.
Coding change: c.838C>A on transcript NM_001105206.3 (MANE Select); coding-DNA position 838, C replaced by A.
Protein change: p.Leu280Met; replaces leucine 280 with methionine.
Molecular consequence: missense variant.
Genome position (GRCh38, 1-based): chr6:112,187,578, G>T on the plus strand (C>A on the coding strand, the complement: LAMA4 is on the minus strand). VCF-style: chr6-112187578-G-T. GRCh37 (hg19) VCF-style: chr6-112508780-G-T.
Other names: c.817C>A, p.Leu273Met (NM_001105207.3, NM_002290.5); short protein forms L273M, L280M.
Identifiers: ClinVar variation 1215908 (VCV001215908.13), dbSNP rs369332778, ClinGen allele CA3966011.
Genomic context (GRCh38, chr6:112,187,578, plus strand): 5'-TCAGCACCCCGGATTTGCCTTCCTCGATGGAGAGCGCTGCTAACCGCAGGTCATCAGTCA[G>T]GTCCCAGACGCACTTATCACAGCCTGGAGGTGAAACATTTCTTCAGAATCACAAGTCAAA-3'
Protein context (NP_001098676.2, residues 270-290): TISCDKCVWD[Leu280Met]TDDLRLAALS